The following is an entry in ClinVar:

ClinVar aggregate classification (germline): Uncertain significance (1 of 4 stars; one submission).

Submission:

Ambry Genetics
Classification: Uncertain significance. Last evaluated: 2021-11-22. Review status: criteria provided, single submitter. Criteria: Ambry Variant Classification Scheme 2023. Collection method: clinical testing. Allele origin: germline.
Comment: The p.V1634M variant (also known as c.4900G>A), located in coding exon 4 of the ALPK2 gene, results from a G to A substitution at nucleotide position 4900. The valine at codon 1634 is replaced by methionine, an amino acid with highly similar properties. This amino acid position is conserved. In addition, this alteration is predicted to be tolerated by in silico analysis. Since supporting evidence is limited at this time, the clinical significance of this alteration remains unclear.

NM_052947.4(ALPK2):c.4900G>A (p.Val1634Met)

Gene: ALPK2 (alpha kinase 2; minus strand). Cytogenetic location: 18q21.31.
Variant type: single nucleotide variant.
Coding change: c.4900G>A on transcript NM_052947.4 (MANE Select); coding-DNA position 4900, G replaced by A.
Protein change: p.Val1634Met; replaces valine 1634 with methionine.
Molecular consequence: missense variant.
Genome position (GRCh38, 1-based): chr18:58,535,287, C>T on the plus strand (G>A on the coding strand, the complement: ALPK2 is on the minus strand). VCF-style: chr18-58535287-C-T. GRCh37 (hg19) VCF-style: chr18-56202519-C-T.
Other names: short protein forms V1634M.
Identifiers: ClinVar variation 1743987 (VCV001743987.2), dbSNP rs758546959, ClinGen allele CA402559307.